The following is an entry in ClinVar:

ClinVar aggregate classification (germline): Uncertain significance (1 of 4 stars; one submission).

Submission:

Labcorp Genetics (formerly Invitae), Labcorp
Classification: Uncertain significance. Last evaluated: 2022-02-07. Review status: criteria provided, single submitter. Criteria: Invitae Variant Classification Sherloc (09022015). Collection method: clinical testing. Allele origin: germline.
Comment: In summary, the available evidence is currently insufficient to determine the role of this variant in disease. Therefore, it has been classified as a Variant of Uncertain Significance. Algorithms developed to predict the effect of missense changes on protein structure and function are either unavailable or do not agree on the potential impact of this missense change (SIFT: "Deleterious"; PolyPhen-2: "Benign"; Align-GVGD: "Class C0"). This variant has not been reported in the literature in individuals affected with TCF12-related conditions. This variant is not present in population databases (gnomAD no frequency). This sequence change replaces methionine, which is neutral and non-polar, with threonine, which is neutral and polar, at codon 8 of the TCF12 protein (p.Met8Thr).

NM_207037.2(TCF12):c.23T>C (p.Met8Thr)

Gene: TCF12 (transcription factor 12; plus strand). Cytogenetic location: 15q21.3.
Variant type: single nucleotide variant.
Coding change: c.23T>C on transcript NM_207037.2 (MANE Select); coding-DNA position 23, T replaced by C.
Protein change: p.Met8Thr; replaces methionine 8 with threonine.
Molecular consequence: missense variant. On other transcripts: 5 prime UTR variant (3).
Genome position (GRCh38, 1-based): chr15:56,919,936, T>C. VCF-style: chr15-56919936-T-C. GRCh37 (hg19) VCF-style: chr15-57212134-T-C.
Other names: c.23T>C, p.Met8Thr (NM_001322151.2, NM_001322152.2, NM_001322157.3 and 8 more transcripts); c.-630T>C (NM_001322154.2); c.-214T>C (NM_001322156.2, NM_001322158.2); short protein forms M8T.
Identifiers: ClinVar variation 2037380 (VCV002037380.4), dbSNP rs2548906021, ClinGen allele CA392786039.